The following is an entry in ClinVar:

ClinVar aggregate classification (germline): Benign/Likely benign. Review status: criteria provided, multiple submitters, no conflicts (2 of 4 stars). 4 submissions from 4 submitters: Benign (1); Likely benign (3). Last evaluated 2025-08-03.

Conditions:
Inborn genetic diseases. Identifiers: MedGen C0950123, MeSH D030342.
Charcot-Marie-Tooth disease axonal type 2O. Also called: Charcot-Marie-Tooth Neuropathy Type 2O; CHARCOT-MARIE-TOOTH NEUROPATHY, AXONAL, TYPE 2O; CHARCOT-MARIE-TOOTH DISEASE, AXONAL, AUTOSOMAL DOMINANT, TYPE 2O; Charcot-Marie-Tooth disease, axonal, type 20. Identifiers: Orphanet 284232, MedGen C3280220, MONDO:0013644, OMIM 614228.

Allele frequency attached by ClinVar (database versions not stated): gnomAD 0.00002 and 0.00003; TOPMed 0.00002; ExAC 0.00003; gnomAD exomes 0.00003 and 0.00004; ESP Exome Variant Server 0.00008; 1000 Genomes Project 30x 0.00016; 1000 Genomes Project 0.00020.
gnomAD v4.1: 42 of 1,614,170 alleles (0.0026%); highest among the groups gnomAD compares: Middle Eastern, 0.15%; no homozygotes.

Submissions (4):

Labcorp Genetics (formerly Invitae), Labcorp
Classification: Likely benign for Charcot-Marie-Tooth disease axonal type 2O. Last evaluated: 2025-08-03. Review status: criteria provided, single submitter. Criteria: Invitae Variant Classification Sherloc (09022015). Collection method: clinical testing. Allele origin: germline.

Blueprint Genetics
Classification: Likely benign. Last evaluated: 2024-11-12. Review status: criteria provided, single submitter. Criteria: ACMG Guidelines, 2015. Collection method: clinical testing. Allele origin: germline.

Ambry Genetics
Classification: Benign for Inborn genetic diseases. Last evaluated: 2019-05-15. Review status: criteria provided, single submitter. Criteria: Ambry Variant Classification Scheme 2023. Collection method: clinical testing. Allele origin: germline.

GeneDx
Classification: Likely benign. Last evaluated: 2017-10-31. Review status: criteria provided, single submitter. Criteria: GeneDx Variant Classification (06012015). Collection method: clinical testing. Allele origin: germline. Affected: yes.
Comment: This variant is considered likely benign or benign based on one or more of the following criteria: it is a conservative change, it occurs at a poorly conserved position in the protein, it is predicted to be benign by multiple in silico algorithms, and/or has population frequency not consistent with disease.

NM_001376.5(DYNC1H1):c.11361G>A (p.Thr3787=)

Gene: DYNC1H1 (dynein cytoplasmic 1 heavy chain 1; plus strand). Cytogenetic location: 14q32.31.
Variant type: single nucleotide variant.
Coding change: c.11361G>A on transcript NM_001376.5 (MANE Select); coding-DNA position 11361, G replaced by A.
Protein change: p.Thr3787=; no amino-acid change (threonine 3787 retained).
Molecular consequence: synonymous variant.
Genome position (GRCh38, 1-based): chr14:102,039,155, G>A. VCF-style: chr14-102039155-G-A. GRCh37 (hg19) VCF-style: chr14-102505492-G-A.
Identifiers: ClinVar variation 512964 (VCV000512964.15), dbSNP rs145320071, ClinGen allele CA7353575.